The following is an entry in ClinVar:

NM_000245.4(MET):c.3736C>A (p.Pro1246Thr)

Gene: MET (MET proto-oncogene, receptor tyrosine kinase; plus strand). Cytogenetic location: 7q31.2.
Variant type: single nucleotide variant.
Coding change: c.3736C>A on transcript NM_000245.4 (MANE Select); coding-DNA position 3736, C replaced by A.
Protein change: p.Pro1246Thr; replaces proline 1246 with threonine.
Molecular consequence: missense variant.
Genome position (GRCh38, 1-based): chr7:116,783,407, C>A. VCF-style: chr7-116783407-C-A. GRCh37 (hg19) VCF-style: chr7-116423461-C-A.
Other names: c.3790C>A, p.Pro1264Thr (NM_001127500.3); c.2446C>A, p.Pro816Thr (NM_001324402.2); short protein forms P816T, P1246T, P1264T.
Identifiers: ClinVar variation 5024400 (VCV005024400.1).

ClinVar aggregate classification (germline): Uncertain significance (1 of 4 stars; one submission).

Conditions:
Hereditary cancer-predisposing syndrome. Also called: Neoplastic Syndromes, Hereditary; Tumor predisposition; Hereditary neoplastic syndrome; Hereditary Cancer Syndrome. Identifiers: Orphanet 140162, MedGen C0027672, MeSH D009386, MONDO:0015356.

Submission:

Ambry Genetics
Classification: Uncertain significance for Hereditary cancer-predisposing syndrome. Last evaluated: 2026-07-07. Review status: criteria provided, single submitter. Criteria: Ambry Variant Classification Scheme 2023. Collection method: clinical testing. Allele origin: germline.
Comment: The p.P1246T variant (also known as c.3736C>A), located in coding exon 18 of the MET gene, results from a C to A substitution at nucleotide position 3736. The proline at codon 1246 is replaced by threonine, an amino acid with highly similar properties. This amino acid position is conserved. In addition, this alteration is predicted to be deleterious by in silico analysis. Based on the available evidence, the clinical significance of this variant remains unclear.